The following is an entry in ClinVar:

NM_003322.6(TULP1):c.155C>T (p.Pro52Leu)

Gene: TULP1 (TUB like protein 1; minus strand). Cytogenetic location: 6p21.31.
Variant type: single nucleotide variant.
Coding change: c.155C>T on transcript NM_003322.6 (MANE Select); coding-DNA position 155, C replaced by T.
Protein change: p.Pro52Leu; replaces proline 52 with leucine.
Molecular consequence: missense variant.
Genome position (GRCh38, 1-based): chr6:35,512,215, G>A on the plus strand (C>T on the coding strand, the complement: TULP1 is on the minus strand). VCF-style: chr6-35512215-G-A. GRCh37 (hg19) VCF-style: chr6-35479992-G-A.
Other names: c.155C>T, p.Pro52Leu (NM_001289395.2); short protein forms P52L.
Identifiers: ClinVar variation 2080749 (VCV002080749.1), dbSNP rs550864319, ClinGen allele CA137293135.

ClinVar aggregate classification (germline): Uncertain significance (1 of 4 stars; one submission).

Allele frequency attached by ClinVar (database versions not stated): gnomAD exomes below 0.00001; gnomAD 0.00005; TOPMed 0.00006; 1000 Genomes Project 30x 0.00016; 1000 Genomes Project 0.00020.

Submission:

Labcorp Genetics (formerly Invitae), Labcorp
Classification: Uncertain significance. Last evaluated: 2022-10-17. Review status: criteria provided, single submitter. Criteria: Invitae Variant Classification Sherloc (09022015). Collection method: clinical testing. Allele origin: germline.
Comment: This sequence change replaces proline, which is neutral and non-polar, with leucine, which is neutral and non-polar, at codon 52 of the TULP1 protein (p.Pro52Leu). This variant is not present in population databases (gnomAD no frequency). This variant has not been reported in the literature in individuals affected with TULP1-related conditions. Advanced modeling of protein sequence and biophysical properties (such as structural, functional, and spatial information, amino acid conservation, physicochemical variation, residue mobility, and thermodynamic stability) performed at Invitae indicates that this missense variant is not expected to disrupt TULP1 protein function. In summary, the available evidence is currently insufficient to determine the role of this variant in disease. Therefore, it has been classified as a Variant of Uncertain Significance.